The following is an entry in ClinVar:

ClinVar aggregate classification (germline): Conflicting classifications of pathogenicity. Review status: criteria provided, conflicting classifications (1 of 4 stars). 3 submissions from 3 submitters: Uncertain significance (1); Likely benign (2). Last evaluated 2026-02-27.

Conditions:
Hereditary breast ovarian cancer syndrome. Also called: Hereditary breast and/or ovarian cancer syndrome; Breast and ovarian cancer; Hereditary breast and ovarian cancer; Hereditary breast and ovarian cancer syndrome (HBOC); Hereditary breast and ovarian cancer syndrome; BRCA1- and BRCA2-Associated Hereditary Breast and Ovarian Cancer. Identifiers: Orphanet 145, MedGen C0677776, MeSH D061325, MONDO:0003582. Disease mechanism: loss of function.
Hereditary cancer-predisposing syndrome. Also called: Neoplastic Syndromes, Hereditary; Hereditary neoplastic syndrome; Tumor predisposition; Hereditary Cancer Syndrome. Identifiers: Orphanet 140162, MedGen C0027672, MeSH D009386, MONDO:0015356.

Submissions (3):

Ambry Genetics
Classification: Likely benign for Hereditary cancer-predisposing syndrome. Last evaluated: 2026-02-27. Review status: criteria provided, single submitter. Criteria: Ambry Variant Classification Scheme 2023. Collection method: clinical testing. Allele origin: germline.

University of Washington Department of Laboratory Medicine, University of Washington
Classification: Likely benign for Hereditary cancer-predisposing syndrome. Last evaluated: 2023-03-23. Review status: criteria provided, single submitter. Criteria: Dines et al. (Genet Med. 2020). Collection method: curation. Allele origin: germline.
Comment: Missense variant in a coldspot region where missense variants are very unlikely to be pathogenic (PMID:31911673).

BRCA2 exon 10 coldspot. Reclassification based on statistical prior probability.

Labcorp Genetics (formerly Invitae), Labcorp
Classification: Uncertain significance for Hereditary breast ovarian cancer syndrome. Last evaluated: 2018-08-18. Review status: criteria provided, single submitter. Criteria: Invitae Variant Classification Sherloc (09022015). Collection method: clinical testing. Allele origin: germline.
Comment: In summary, the available evidence is currently insufficient to determine the role of this variant in disease. Therefore, it has been classified as a Variant of Uncertain Significance. This sequence change replaces serine with alanine at codon 581 of the BRCA2 protein (p.Ser581Ala). The serine residue is moderately conserved and there is a moderate physicochemical difference between serine and alanine. This variant is not present in population databases (ExAC no frequency). This variant has not been reported in the literature in individuals with BRCA2-related disease. Algorithms developed to predict the effect of missense changes on protein structure and function are either unavailable or do not agree on the potential impact of this missense change (SIFT: "Tolerated"; PolyPhen-2: "Possibly Damaging"; Align-GVGD: "Class C0").

NM_000059.4(BRCA2):c.1741T>G (p.Ser581Ala)

Gene: BRCA2 (BRCA2 DNA repair associated; plus strand). Cytogenetic location: 13q13.1.
Variant type: single nucleotide variant.
Coding change: c.1741T>G on transcript NM_000059.4 (MANE Select); coding-DNA position 1741, T replaced by G.
Protein change: p.Ser581Ala; replaces serine 581 with alanine.
Molecular consequence: missense variant.
Genome position (GRCh38, 1-based): chr13:32,333,219, T>G. VCF-style: chr13-32333219-T-G. GRCh37 (hg19) VCF-style: chr13-32907356-T-G.
Other names: short protein forms S581A.
Identifiers: ClinVar variation 662253 (VCV000662253.11), dbSNP rs55667299, ClinGen allele CA387765439.